The following is an entry in ClinVar:

ClinVar aggregate classification (germline): Uncertain significance (1 of 4 stars; one submission).

Submission:

GeneDx
Classification: Uncertain significance. Last evaluated: 2025-05-19. Review status: criteria provided, single submitter. Criteria: GeneDx Variant Classification Process June 2021. Collection method: clinical testing. Allele origin: germline. Affected: yes.
Comment: In silico analysis suggests that this missense variant does not alter protein structure/function; Has not been previously published as pathogenic or benign to our knowledge

NM_001270974.2(HYDIN):c.10105A>G (p.Ile3369Val)

Gene: HYDIN (HYDIN axonemal central pair apparatus protein; minus strand). Cytogenetic location: 16q22.2.
Variant type: single nucleotide variant.
Coding change: c.10105A>G on transcript NM_001270974.2 (MANE Select); coding-DNA position 10105, A replaced by G.
Protein change: p.Ile3369Val; replaces isoleucine 3369 with valine.
Molecular consequence: missense variant.
Genome position (GRCh38, 1-based): chr16:70,882,770, T>C on the plus strand (A>G on the coding strand, the complement: HYDIN is on the minus strand). VCF-style: chr16-70882770-T-C. GRCh37 (hg19) VCF-style: chr16-70916673-T-C.
Other names: short protein forms I3369V.
Identifiers: ClinVar variation 4530856 (VCV004530856.1).